The following continues an entry in ClinVar:

NM_000016.6(ACADM):c.683C>A (p.Thr228Asn)

Gene: ACADM. ClinVar aggregate classification (germline): Conflicting classifications of pathogenicity. Pathogenic (5); Likely pathogenic (9); Uncertain significance (3).

Submissions 10 to 17 of 17:

3billion
Classification: Likely pathogenic for Medium-chain acyl-coenzyme A dehydrogenase deficiency. Last evaluated: 2024-06-17. Review status: criteria provided, single submitter. Criteria: ACMG Guidelines, 2015. Collection method: clinical testing. Allele origin: germline. Affected: yes.
Comment: The variant is observed at an extremely low frequency in the gnomAD v4.0.0 dataset (total allele frequency: 0.011%). Predicted Consequence/Location: Missense variant In silico tool predictions suggest damaging effect of the variant on gene or gene product [REVEL: 0.60 (>=0.6, sensitivity 0.68 and specificity 0.92); 3Cnet: 0.95 (>=0.6, sensitivity 0.72 and precision 0.9)]. The same nucleotide change resulting in the same amino acid change has been previously reported as pathogenic/likely pathogenic with strong evidence (ClinVar ID: VCV000203538 /PMID: 15171998). A different missense change at the same codon (p.Thr228Ile) has been reported to be associated with ACADM related disorder (ClinVar ID: VCV001518981). Therefore, this variant is classified as Likely pathogenic according to the recommendation of ACMG/AMP guideline.

Blueprint Genetics
Classification: Likely pathogenic for ACADM-related disorders. Last evaluated: 2024-05-27. Review status: criteria provided, single submitter. Criteria: ACMG Guidelines, 2015. Collection method: clinical testing. Allele origin: germline. Affected: yes. Observed: 5 variant alleles.

Fulgent Genetics
Classification: Uncertain significance for Medium-chain acyl-coenzyme A dehydrogenase deficiency. Last evaluated: 2024-05-15. Review status: criteria provided, single submitter. Criteria: ACMG Guidelines, 2015. Collection method: clinical testing. Allele origin: germline.

Baylor Genetics
Classification: Pathogenic for Medium-chain acyl-coenzyme A dehydrogenase deficiency. Last evaluated: 2024-03-28. Review status: criteria provided, single submitter. Criteria: ACMG Guidelines, 2015. Collection method: clinical testing. Allele origin: unknown.

Illumina Laboratory Services, Illumina
Classification: Likely pathogenic for Medium-chain acyl-coenzyme A dehydrogenase deficiency. Last evaluated: 2020-11-20. Review status: criteria provided, single submitter. Criteria: ICSLVariantClassificationCriteria RUGD 01 April 2020. Collection method: clinical testing. Allele origin: unknown.
Comment: The ACADM c.683C>A (p.Thr228Asn) variant is a missense variant which has been reported in four studies in a compound heterozygous state in six individuals with medium-chain acyl-CoA dehydrogenase (MCAD) deficiency (Hsu et al. 2008; Smith et al. 2010; Couce et al. 2013; Anderson et al. 2020). The p.Thr228Asn variant was also identified in another affected infant with a second variant, but the phase was not determined (McKinney et al. 2004). These individuals showed variable biochemical results including elevated acylglycines, serum medium chain acylcarnitines, C8-carnitine, C8/C10, and C8/C2 levels. However, some of biochemical parameters were within normal range in these individuals and it is suggested that this variant confers an attenuated effect (Smith et al. 2010; Couce et al. 2013; Anderson et al. 2020). The p.Thr228Asn variant is reported at a frequency of 0.001580 in the Latino/Admixed American population of the Genome Aggregation Database in a region of good sequence coverage. Based on collective evidence, the p.Thr228Asn variant is classified as likely pathogenic for medium-chain acyl-CoA dehydrogenase deficiency.

Mayo Clinic Laboratories, Mayo Clinic
Classification: Uncertain significance. Last evaluated: 2020-02-17. Review status: criteria provided, single submitter. Criteria: ACMG Guidelines, 2015. Collection method: clinical testing. Allele origin: germline. Observed: 1 variant allele.

ARUP Laboratories, Molecular Genetics and Genomics, ARUP Laboratories
Classification: Likely pathogenic for Medium-chain acyl-coenzyme A dehydrogenase deficiency. Last evaluated: 2015-02-20. Review status: criteria provided, single submitter. Criteria: ACMG Guidelines, 2015. Collection method: clinical testing. Allele origin: germline. Inheritance: Autosomal recessive inheritance. Observed: 2 heterozygotes.

Clinical Genetics Service, Universitary Hospital 12 de Octubre
Classification: Likely pathogenic for Medium-chain acyl-coenzyme A dehydrogenase deficiency. Review status: criteria provided, single submitter. Criteria: ACMG Guidelines, 2015. Collection method: clinical testing. Allele origin: germline. Affected: yes.

Literature cited by the submitters: PubMed 23842438 (cited by 6 submitters); PubMed 35629059 (cited by 3 submitters); PubMed 18450854 (cited by 4 submitters); PubMed 15171998 (cited by 6 submitters); PubMed 20434380 (cited by 5 submitters); PubMed 30626930 (cited by 3 submitters); PubMed 31836396 (cited by 4 submitters); PubMed 32778825 (cited by Quest Diagnostics Nichols Institute San Juan Capistrano); PubMed 26764160 (cited by Quest Diagnostics Nichols Institute San Juan Capistrano); PubMed 41022664 (cited by Department of Genetics of Metabolic Diseases, Institute of Medical & Molecular Genetics, Hospital Universitario Hospital La Paz).